The following is an entry in ClinVar:

NM_173495.3(PTCHD1):c.2548C>A (p.Pro850Thr)

Gene: PTCHD1 (patched domain containing 1; plus strand). Cytogenetic location: Xp22.11.
Variant type: single nucleotide variant.
Coding change: c.2548C>A on transcript NM_173495.3 (MANE Select); coding-DNA position 2548, C replaced by A.
Protein change: p.Pro850Thr; replaces proline 850 with threonine.
Molecular consequence: missense variant.
Genome position (GRCh38, 1-based): chrX:23,394,066, C>A. VCF-style: chrX-23394066-C-A. GRCh37 (hg19) VCF-style: chrX-23412183-C-A.
Other names: short protein forms P850T.
Identifiers: ClinVar variation 989347 (VCV000989347.4), dbSNP rs767034279, ClinGen allele CA10369244.

ClinVar aggregate classification (germline): Uncertain significance (1 of 4 stars; one submission).

Conditions:
PTCHD1-related autism and intellectual disability.

Allele frequency attached by ClinVar (database versions not stated): ExAC 0.00001; gnomAD 0.00001; gnomAD exomes 0.00001.
gnomAD v4.1: 9 of 1,205,637 alleles (0.00075%); highest among the groups gnomAD compares: Admixed American, 0.0022%; no homozygotes.

Submission:

Illumina Laboratory Services, Illumina
Classification: Uncertain significance for PTCHD1-related autism and intellectual disability. Last evaluated: 2020-06-17. Review status: criteria provided, single submitter. Criteria: ICSLVariantClassificationCriteria RUGD 01 April 2020. Collection method: clinical testing. Allele origin: unknown.
Comment: The PTCHD1 c.2548C>A (p.Pro850Thr) variant is a missense variant. A literature search was performed for the gene, cDNA change, and amino acid change. No publications were found based on this search. This variant is reported at a frequency of 0.000022 in the European non-Finnish population of the Genome Aggregation Database though this is based on two alleles in a region of good sequence coverage so the variant is presumed to be rare. Based on the limited evidence, the p.Pro850Thr variant is classified as a variant of uncertain significance for PTCHD1-related autism and intellectual disability.